The following is an entry in ClinVar:

ClinVar aggregate classification (germline): Conflicting classifications of pathogenicity. Review status: criteria provided, conflicting classifications (1 of 4 stars). 2 submissions from 2 submitters: Pathogenic (1); Uncertain significance (1). Last evaluated 2022-05-29.

Conditions:
Bethlem myopathy 1A. Also called: Bethlem myopathy 1; MYOPATHY, BENIGN CONGENITAL, WITH CONTRACTURES; Bethlem Muscular Dystrophy. Identifiers: Orphanet 610, MedGen CN029274, MONDO:0024530, OMIM 158810.

Submissions (2):

Labcorp Genetics (formerly Invitae), Labcorp
Classification: Uncertain significance for Bethlem myopathy 1A. Last evaluated: 2022-05-29. Review status: criteria provided, single submitter. Criteria: Invitae Variant Classification Sherloc (09022015). Collection method: clinical testing. Allele origin: germline.
Comment: ClinVar contains an entry for this variant (Variation ID: 1322142). Experimental studies and prediction algorithms are not available or were not evaluated, and the functional significance of this variant is currently unknown. Algorithms developed to predict the effect of sequence changes on RNA splicing suggest that this variant may disrupt the consensus splice site. In summary, the available evidence is currently insufficient to determine the role of this variant in disease. Therefore, it has been classified as a Variant of Uncertain Significance. This variant has not been reported in the literature in individuals affected with COL6A1-related conditions. This variant, c.1567_1575dup, results in the insertion of 3 amino acid(s) of the COL6A1 protein (p.Phe524_Gly526dup), but otherwise preserves the integrity of the reading frame. This variant is not present in population databases (gnomAD no frequency).

Revvity Omics, Revvity
Classification: Pathogenic. Last evaluated: 2020-04-04. Review status: criteria provided, single submitter. Criteria: ACMG Guidelines, 2015. Collection method: clinical testing. Allele origin: germline.

NM_001848.2(COL6A1):c.1568_1575+1dup

Gene: COL6A1 (collagen type VI alpha 1 chain; plus strand). Cytogenetic location: 21q22.3.
Variant type: Microsatellite.
Coding change: c.1568_1575+1dup on transcript NM_001848.2; coding-DNA position 1568 through the canonical splice donor site of the intron after coding-DNA position 1575, 9 bases duplicated (GCTTCCCCG; older notation c.1568_1575+1dupGCTTCCCCG).
Genome position (GRCh38, 1-based): chr21:45,998,164-45,998,172, GCTTCCCCG duplicated; duplicating any 9 consecutive bases within chr21:45,998,154-45,998,172 gives the same sequence; the c. name uses the placement nearest the transcript's 3' end. VCF-style (leftmost placement, unchanged base first): chr21-45998153-G-GGGCTTCCCC. GRCh37 (hg19) VCF-style: chr21-47418067-G-GGGCTTCCCC.
Identifiers: ClinVar variation 1322142 (VCV001322142.13), dbSNP rs2077817384, ClinGen allele CA2392438413.